The following is an entry in ClinVar:

NM_001999.4(FBN2):c.124C>A (p.Pro42Thr)

Gene: FBN2 (fibrillin 2; minus strand). Cytogenetic location: 5q23.3.
Variant type: single nucleotide variant.
Coding change: c.124C>A on transcript NM_001999.4 (MANE Select); coding-DNA position 124, C replaced by A.
Protein change: p.Pro42Thr; replaces proline 42 with threonine.
Molecular consequence: missense variant.
Genome position (GRCh38, 1-based): chr5:128,537,480, G>T on the plus strand (C>A on the coding strand, the complement: FBN2 is on the minus strand). VCF-style: chr5-128537480-G-T. GRCh37 (hg19) VCF-style: chr5-127873173-G-T.
Other names: short protein forms P42T.
Identifiers: ClinVar variation 3718743 (VCV003718743.2).

ClinVar aggregate classification (germline): Uncertain significance (1 of 4 stars; one submission).

Conditions:
Congenital contractural arachnodactyly (CCA). Also called: Arthrogryposis, distal, type 9; BEALS SYNDROME; Beals-Hecht syndrome. Identifiers: Orphanet 115, MedGen C0220668, MONDO:0007363, OMIM 121050.

gnomAD v4.1: 1 of 1,597,514 alleles (0.000063%); highest among the groups gnomAD compares: Non-Finnish European, 0.000085%; no homozygotes.

Submission:

Labcorp Genetics (formerly Invitae), Labcorp
Classification: Uncertain significance for Congenital contractural arachnodactyly. Last evaluated: 2025-05-25. Review status: criteria provided, single submitter. Criteria: Invitae Variant Classification Sherloc (09022015). Collection method: clinical testing. Allele origin: germline.
Comment: This sequence change replaces proline, which is neutral and non-polar, with threonine, which is neutral and polar, at codon 42 of the FBN2 protein (p.Pro42Thr). This variant is not present in population databases (gnomAD no frequency). This variant has not been reported in the literature in individuals affected with FBN2-related conditions. ClinVar contains an entry for this variant (Variation ID: 3718743). Invitae Evidence Modeling of protein sequence and biophysical properties (such as structural, functional, and spatial information, amino acid conservation, physicochemical variation, residue mobility, and thermodynamic stability) indicates that this missense variant is not expected to disrupt FBN2 protein function with a negative predictive value of 95%. In summary, the available evidence is currently insufficient to determine the role of this variant in disease. Therefore, it has been classified as a Variant of Uncertain Significance.